The following is an entry in ClinVar:

NM_003119.4(SPG7):c.739C>T (p.Arg247Ter)

Gene: SPG7 (SPG7 matrix AAA peptidase subunit, paraplegin; plus strand). Cytogenetic location: 16q24.3.
Variant type: single nucleotide variant.
Coding change: c.739C>T on transcript NM_003119.4 (MANE Select); coding-DNA position 739, C replaced by T.
Protein change: p.Arg247Ter; replaces arginine 247 with a stop codon.
Molecular consequence: nonsense.
Genome position (GRCh38, 1-based): chr16:89,526,449, C>T. VCF-style: chr16-89526449-C-T. GRCh37 (hg19) VCF-style: chr16-89592857-C-T.
Other names: c.739C>T, p.Arg247Ter (NM_001363850.1, NM_199367.3); short protein forms R247*.
Identifiers: ClinVar variation 949128 (VCV000949128.25), dbSNP rs779055639, ClinGen allele CA8243746.

ClinVar aggregate classification (germline): Pathogenic. Review status: criteria provided, multiple submitters, no conflicts (2 of 4 stars). 8 submissions from 8 submitters: Pathogenic (7). 1 of the submissions does not count toward it. Last evaluated 2025-11-01.

Conditions:
Hereditary spastic paraplegia 7 (SPG7). Also called: SPASTIC PARAPLEGIA 7, AUTOSOMAL RECESSIVE, WITH OR WITHOUT CEREBELLAR ATAXIA; Autosomal recessive spastic paraplegia type 7; SPG7-related neurologic disorder; Spastic paraplegia 7; Hereditary spastic paraplegia Paraplegin type. Identifiers: Orphanet 99013, MedGen C1846564, MONDO:0011803, OMIM 607259.

Allele frequency attached by ClinVar (database versions not stated): gnomAD 0.00001; gnomAD exomes 0.00002; ExAC 0.00003; TOPMed 0.00003.

Submissions (8):

CeGaT Center for Human Genetics Tuebingen
Classification: Pathogenic. Last evaluated: 2025-11-01. Review status: criteria provided, single submitter. Criteria: CeGaT Center For Human Genetics Tuebingen Variant Classification Criteria Version 2. Collection method: clinical testing. Allele origin: germline. Affected: yes. Observed: 1 variant allele.
Comment: SPG7: PVS1, PM2, PM3:Supporting

Labcorp Genetics (formerly Invitae), Labcorp
Classification: Pathogenic for Hereditary spastic paraplegia 7. Last evaluated: 2023-11-27. Review status: criteria provided, single submitter. Criteria: Invitae Variant Classification Sherloc (09022015). Collection method: clinical testing. Allele origin: germline.
Comment: This sequence change creates a premature translational stop signal (p.Arg247*) in the SPG7 gene. It is expected to result in an absent or disrupted protein product. Loss-of-function variants in SPG7 are known to be pathogenic (PMID: 21623769, 22964162). This variant is present in population databases (rs779055639, gnomAD 0.01%). This premature translational stop signal has been observed in individual(s) with hereditary spastic paraplegia (PMID: 21623769). ClinVar contains an entry for this variant (Variation ID: 949128). For these reasons, this variant has been classified as Pathogenic.

GeneDx
Classification: Pathogenic. Last evaluated: 2023-05-11. Review status: criteria provided, single submitter. Criteria: GeneDx Variant Classification Process June 2021. Collection method: clinical testing. Allele origin: germline. Affected: yes.
Comment: Nonsense variant predicted to result in protein truncation or nonsense mediated decay in a gene for which loss of function is a known mechanism of disease; This variant is associated with the following publications: (PMID: 25525159, 30683863, 21623769, 34758253)

PROSPAX: an integrated multimodal progression  chart in spastic ataxias, Center for Neurology; Hertie-Institute for Clinical Brain Research
Classification: Pathogenic for Hereditary spastic paraplegia 7. Last evaluated: 2022-01-01. Review status: criteria provided, single submitter. Criteria: ACMG Guidelines, 2015. Collection method: research. Allele origin: germline. Affected: yes.
Comment: Variant seen in compound het: [c.739C>T;c.1045G>A]

Fulgent Genetics
Classification: Pathogenic for Hereditary spastic paraplegia 7. Last evaluated: 2021-11-29. Review status: criteria provided, single submitter. Criteria: ACMG Guidelines, 2015. Collection method: clinical testing. Allele origin: unknown.

Genetic Services Laboratory, University of Chicago
Classification: Pathogenic. Last evaluated: 2019-01-08. Review status: criteria provided, single submitter. Criteria: ACMG Guidelines, 2015. Collection method: clinical testing. Allele origin: germline. Affected: yes.
Comment: DNA sequence analysis of the SPG7 gene demonstrated a sequence change, c.739C>T, which results in the creation of a premature stop codon at amino acid position 247, p.Arg247*. This pathogenic sequence change is predicted to result in an abnormal transcript, which may be degraded, or may lead to the production of a truncated SPG7 protein with potentially abnormal function. This sequence change has been described in the gnomAD database with a low population frequency of 0.0022% (rs779055639). This sequence change has previously been described in a patient with spastic paraplegia in the compound heterozygous state with a missense pathogenic variant (Schlipf et al., 2011).

Juno Genomics, Hangzhou Juno Genomics, Inc
Classification: Pathogenic for Hereditary spastic paraplegia 7. Review status: criteria provided, single submitter. Criteria: ACMG Guidelines, 2015. Collection method: clinical testing. Allele origin: germline.
Comment: Absent from controls (or at extremely low frequency if recessive) in Genome Aggregation Database.;Null variant in a gene where loss of function (LOF) is a known mechanism of disease.;For recessive disorders, detected in trans with a pathogenic variant.

Genomics England Pilot Project, Genomics England
Classification: Pathogenic for Hereditary spastic paraplegia 7. Review status: no assertion criteria provided. Criteria: ACGS Guidelines, 2016. Collection method: clinical testing. Allele origin: germline. Affected: yes. Not counted in ClinVar's aggregate classification.

Literature cited by the submitters: PubMed 21623769 (cited by Labcorp Genetics (formerly Invitae), Labcorp); PubMed 22964162 (cited by Labcorp Genetics (formerly Invitae), Labcorp).